The following is an entry in ClinVar:

NM_001378452.1(ITPR1):c.4439C>G (p.Ala1480Gly)

Gene: ITPR1 (inositol 1,4,5-trisphosphate receptor type 1; plus strand). Cytogenetic location: 3p26.1.
Variant type: single nucleotide variant.
Coding change: c.4439C>G on transcript NM_001378452.1 (MANE Select); coding-DNA position 4439, C replaced by G.
Protein change: p.Ala1480Gly; replaces alanine 1480 with glycine.
Molecular consequence: missense variant.
Genome position (GRCh38, 1-based): chr3:4,699,844, C>G. VCF-style: chr3-4699844-C-G. GRCh37 (hg19) VCF-style: chr3-4741528-C-G.
Other names: c.4412C>G, p.Ala1471Gly (NM_001099952.4); c.4394C>G, p.Ala1465Gly (NM_001168272.2); c.4367C>G, p.Ala1456Gly (NM_002222.7); short protein forms A1471G, A1465G, A1480G, A1456G.
Identifiers: ClinVar variation 1960861 (VCV001960861.7), dbSNP rs2469845218, ClinGen allele CA351633086.

ClinVar aggregate classification (germline): Uncertain significance. Review status: criteria provided, multiple submitters, no conflicts (2 of 4 stars). 2 submissions from 2 submitters: Uncertain significance (2). Last evaluated 2025-12-27.

Conditions:
Spinocerebellar ataxia type 29 (SCA29). Also called: CEREBELLAR ATAXIA, CONGENITAL NONPROGRESSIVE, AUTOSOMAL DOMINANT; Spinocerebellar ataxia 29, congenital nonprogressive. Identifiers: Orphanet 208513, MedGen C1861732, MONDO:0007298, OMIM 117360.

Submissions (2):

Dasa
Classification: Uncertain significance for Spinocerebellar ataxia type 29. Last evaluated: 2025-12-27. Review status: criteria provided, single submitter. Criteria: DASA Assertion Criteria. Collection method: clinical testing. Allele origin: germline.
Comment: NM_001378452.1(ITPR1):c.4439C>G (p.Ala1480Gly) is a missense variant that results in the substitution of alanine with glycine. This variant is rare in population databases. The currently available literature and clinical evidence are not sufficient to establish a definitive association between this variant and the reported condition. Therefore, this variant is classified as a variant of uncertain significance.

Labcorp Genetics (formerly Invitae), Labcorp
Classification: Uncertain significance. Last evaluated: 2023-07-17. Review status: criteria provided, single submitter. Criteria: Invitae Variant Classification Sherloc (09022015). Collection method: clinical testing. Allele origin: germline.
Comment: This sequence change replaces alanine, which is neutral and non-polar, with glycine, which is neutral and non-polar, at codon 1456 of the ITPR1 protein (p.Ala1456Gly). This variant is not present in population databases (gnomAD no frequency). This variant has not been reported in the literature in individuals affected with ITPR1-related conditions. ClinVar contains an entry for this variant (Variation ID: 1960861). Advanced modeling of protein sequence and biophysical properties (such as structural, functional, and spatial information, amino acid conservation, physicochemical variation, residue mobility, and thermodynamic stability) has been performed at Invitae for this missense variant, however the output from this modeling did not meet the statistical confidence thresholds required to predict the impact of this variant on ITPR1 protein function. In summary, the available evidence is currently insufficient to determine the role of this variant in disease. Therefore, it has been classified as a Variant of Uncertain Significance.